The following is an entry in ClinVar:

NM_004525.3(LRP2):c.329G>C (p.Ser110Thr)

Gene: LRP2 (LDL receptor related protein 2; minus strand). Cytogenetic location: 2q31.1.
Variant type: single nucleotide variant.
Coding change: c.329G>C on transcript NM_004525.3 (MANE Select); coding-DNA position 329, G replaced by C.
Protein change: p.Ser110Thr; replaces serine 110 with threonine.
Molecular consequence: missense variant.
Genome position (GRCh38, 1-based): chr2:169,307,379, C>G on the plus strand (G>C on the coding strand, the complement: LRP2 is on the minus strand). VCF-style: chr2-169307379-C-G. GRCh37 (hg19) VCF-style: chr2-170163889-C-G.
Other names: short protein forms S110T.
Identifiers: ClinVar variation 1491663 (VCV001491663.6), dbSNP rs768641585, ClinGen allele CA59955878.

ClinVar aggregate classification (germline): Uncertain significance (1 of 4 stars; one submission).

Submission:

Labcorp Genetics (formerly Invitae), Labcorp
Classification: Uncertain significance. Last evaluated: 2025-03-31. Review status: criteria provided, single submitter. Criteria: Invitae Variant Classification Sherloc (09022015). Collection method: clinical testing. Allele origin: germline.
Comment: This sequence change replaces serine, which is neutral and polar, with threonine, which is neutral and polar, at codon 110 of the LRP2 protein (p.Ser110Thr). This variant is not present in population databases (gnomAD no frequency). This variant has not been reported in the literature in individuals affected with LRP2-related conditions. ClinVar contains an entry for this variant (Variation ID: 1491663). An algorithm developed to predict the effect of missense changes on protein structure and function (PolyPhen-2) suggests that this variant is likely to be tolerated. In summary, the available evidence is currently insufficient to determine the role of this variant in disease. Therefore, it has been classified as a Variant of Uncertain Significance.